The following is an entry in ClinVar:

NM_007030.3(TPPP):c.312-2084G>C

Genes: CEP72 (centrosomal protein 72), TPPP (tubulin polymerization promoting protein; minus strand). Cytogenetic location: 5p15.33.
Variant type: single nucleotide variant.
Coding change: c.312-2084G>C on transcript NM_007030.3 (MANE Select); 2084 bases into the intron before coding-DNA position 312, G replaced by C.
Molecular consequence: intron variant. On other transcripts: non-coding transcript variant (1).
Genome position (GRCh38, 1-based): chr5:668,207, C>G on the plus strand (G>C on the coding strand, the complement: TPPP is on the minus strand). VCF-style: chr5-668207-C-G. GRCh37 (hg19) VCF-style: chr5-668322-C-G.
Identifiers: ClinVar variation 2655251 (VCV002655251.24), dbSNP rs79129291, ClinGen allele CA557398449.

ClinVar aggregate classification (germline): Likely benign (1 of 4 stars; one submission).

gnomAD v4.1: 147 of 93,200 alleles (0.16%); highest among the groups gnomAD compares: African/African-American, 0.5%; 4 homozygotes.

Submission:

CeGaT Center for Human Genetics Tuebingen
Classification: Likely benign. Last evaluated: 2023-07-01. Review status: criteria provided, single submitter. Criteria: CeGaT Center For Human Genetics Tuebingen Variant Classification Criteria Version 2. Collection method: clinical testing. Allele origin: germline. Affected: yes. Observed: 2 variant alleles.
Comment: TPPP: BS2